The following is an entry in ClinVar:

NM_001386298.1(CIC):c.3359G>C (p.Ser1120Thr)

Gene: CIC (capicua transcriptional repressor; plus strand). Cytogenetic location: 19q13.2.
Variant type: single nucleotide variant.
Coding change: c.3359G>C on transcript NM_001386298.1 (MANE Select); coding-DNA position 3359, G replaced by C.
Protein change: p.Ser1120Thr; replaces serine 1120 with threonine.
Molecular consequence: missense variant.
Genome position (GRCh38, 1-based): chr19:42,287,594, G>C. VCF-style: chr19-42287594-G-C. GRCh37 (hg19) VCF-style: chr19-42791746-G-C.
Other names: c.3359G>C, p.Ser1120Thr (NM_001304815.2, NM_001379480.1, NM_001379482.1); c.632G>C, p.Ser211Thr (NM_001379484.1, NM_001379485.1, NM_015125.5); short protein forms S1120T, S211T.
Identifiers: ClinVar variation 3492894 (VCV003492894.1).

ClinVar aggregate classification (germline): Uncertain significance (1 of 4 stars; one submission).

Conditions:
Inborn genetic diseases. Identifiers: MedGen C0950123, MeSH D030342.

Submission:

Ambry Genetics
Classification: Uncertain significance for Inborn genetic diseases. Last evaluated: 2024-08-15. Review status: criteria provided, single submitter. Criteria: Ambry Variant Classification Scheme 2023. Collection method: clinical testing. Allele origin: germline.
Comment: The c.632G>C (p.S211T) alteration is located in exon 5 (coding exon 5) of the CIC gene. This alteration results from a G to C substitution at nucleotide position 632, causing the serine (S) at amino acid position 211 to be replaced by a threonine (T). This variant was not reported in population-based cohorts in the Genome Aggregation Database (gnomAD). This amino acid position is highly conserved in available vertebrate species. This alteration is predicted to be deleterious by in silico analysis. Based on insufficient or conflicting evidence, the clinical significance of this alteration remains unclear.